The following is an entry in ClinVar:

ClinVar aggregate classification (germline): Uncertain significance (1 of 4 stars; one submission).

gnomAD v4.1: 3 of 1,601,226 alleles (0.00019%); highest among the groups gnomAD compares: Non-Finnish European, 0.00026%; no homozygotes.

Submission:

Labcorp Genetics (formerly Invitae), Labcorp
Classification: Uncertain significance. Last evaluated: 2025-04-08. Review status: criteria provided, single submitter. Criteria: Invitae Variant Classification Sherloc (09022015). Collection method: clinical testing. Allele origin: germline.
Comment: This sequence change replaces serine, which is neutral and polar, with glycine, which is neutral and non-polar, at codon 130 of the ZMIZ1 protein (p.Ser130Gly). This variant is not present in population databases (gnomAD no frequency). This variant has not been reported in the literature in individuals affected with ZMIZ1-related conditions. Invitae Evidence Modeling of protein sequence and biophysical properties (such as structural, functional, and spatial information, amino acid conservation, physicochemical variation, residue mobility, and thermodynamic stability) indicates that this missense variant is not expected to disrupt ZMIZ1 protein function with a negative predictive value of 95%. In summary, the available evidence is currently insufficient to determine the role of this variant in disease. Therefore, it has been classified as a Variant of Uncertain Significance.

NM_020338.4(ZMIZ1):c.388A>G (p.Ser130Gly)

Gene: ZMIZ1 (zinc finger MIZ-type containing 1; plus strand). Cytogenetic location: 10q22.3.
Variant type: single nucleotide variant.
Coding change: c.388A>G on transcript NM_020338.4 (MANE Select); coding-DNA position 388, A replaced by G.
Protein change: p.Ser130Gly; replaces serine 130 with glycine.
Molecular consequence: missense variant.
Genome position (GRCh38, 1-based): chr10:79,277,288, A>G. VCF-style: chr10-79277288-A-G. GRCh37 (hg19) VCF-style: chr10-81037045-A-G.
Other names: short protein forms S130G.
Identifiers: ClinVar variation 4812174 (VCV004812174.1).